The following is an entry in ClinVar:

NM_032444.4(SLX4):c.4429C>T (p.Pro1477Ser)

Gene: SLX4 (SLX4 structure-specific endonuclease subunit; minus strand). Cytogenetic location: 16p13.3.
Variant type: single nucleotide variant.
Coding change: c.4429C>T on transcript NM_032444.4 (MANE Select); coding-DNA position 4429, C replaced by T.
Protein change: p.Pro1477Ser; replaces proline 1477 with serine.
Molecular consequence: missense variant.
Genome position (GRCh38, 1-based): chr16:3,589,209, G>A on the plus strand (C>T on the coding strand, the complement: SLX4 is on the minus strand). VCF-style: chr16-3589209-G-A. GRCh37 (hg19) VCF-style: chr16-3639210-G-A.
Other names: c.4429C>T (LRG_503t1); short protein forms P1477S.
Identifiers: ClinVar variation 526358 (VCV000526358.9), dbSNP rs912385590, ClinGen allele CA276958175.

ClinVar aggregate classification (germline): Uncertain significance. Review status: criteria provided, multiple submitters, no conflicts (2 of 4 stars). 2 submissions from 2 submitters: Uncertain significance (2). Last evaluated 2024-02-06.

Conditions:
Fanconi anemia complementation group P. Also called: SLX4-Related Fanconi Anemia. Identifiers: Orphanet 84, MedGen C3469542, MONDO:0013499, OMIM 613951.
Fanconi anemia (FA). Also called: Fanconi's anemia. Identifiers: Orphanet 84, MedGen C0015625, MeSH D005199, MONDO:0019391.

Allele frequency attached by ClinVar (database versions not stated): gnomAD 0.00004; TOPMed 0.00006.

Submissions (2):

Fulgent Genetics
Classification: Uncertain significance for Fanconi anemia complementation group P. Last evaluated: 2024-02-06. Review status: criteria provided, single submitter. Criteria: ACMG Guidelines, 2015. Collection method: clinical testing. Allele origin: germline.

Labcorp Genetics (formerly Invitae), Labcorp
Classification: Uncertain significance for Fanconi anemia. Last evaluated: 2022-11-01. Review status: criteria provided, single submitter. Criteria: Invitae Variant Classification Sherloc (09022015). Collection method: clinical testing. Allele origin: germline.
Comment: In summary, the available evidence is currently insufficient to determine the role of this variant in disease. Therefore, it has been classified as a Variant of Uncertain Significance. Algorithms developed to predict the effect of missense changes on protein structure and function are either unavailable or do not agree on the potential impact of this missense change (SIFT: "Deleterious"; PolyPhen-2: "Possibly Damaging"; Align-GVGD: "Class C0"). ClinVar contains an entry for this variant (Variation ID: 526358). This variant has not been reported in the literature in individuals affected with SLX4-related conditions. This variant is present in population databases (no rsID available, gnomAD 0.01%). This sequence change replaces proline, which is neutral and non-polar, with serine, which is neutral and polar, at codon 1477 of the SLX4 protein (p.Pro1477Ser).